The following is an entry in ClinVar:

ClinVar aggregate classification (germline): not provided (0 of 4 stars; one submission).

Allele frequency attached by ClinVar (database versions not stated): TOPMed below 0.00001; gnomAD 0.00001 and 0.00002.

Submission:

Human Evolutionary Genetics, Institut Pasteur
No classification provided. Review status: no classification provided. Collection method: not provided. Allele origin: germline.
ClinVar note: Converted during submission from untested to not provided.

NC_000002.12:g.32265774T>C

Gene: NLRC4 (NLR family CARD domain containing 4; minus strand). Cytogenetic location: 2p22.3.
Variant type: single nucleotide variant.
Genome position: GRCh38 VCF-style: chr2-32265774-T-C. GRCh37 (hg19) VCF-style: chr2-32490843-T-C.
Identifiers: ClinVar variation 102937 (VCV000102937.2), dbSNP rs199475951, ClinGen allele CA229900.